The following is an entry in ClinVar:

NM_014795.4(ZEB2):c.1146_1150del (p.Glu383fs)

Gene: ZEB2 (zinc finger E-box binding homeobox 2; minus strand). Cytogenetic location: 2q22.3.
Variant type: Deletion.
Coding change: c.1146_1150del on transcript NM_014795.4 (MANE Select); coding-DNA positions 1146 to 1150, 5 bases deleted (TGAAC; older notation c.1146_1150delTGAAC).
Protein change: p.Glu383fs; shifts the reading frame from glutamic acid 383.
Molecular consequence: frameshift variant.
Genome position (GRCh38, 1-based): chr2:144,400,037-144,400,041, GTTCA deleted on the plus strand (TGAAC on the coding strand, the reverse complement: ZEB2 is on the minus strand); deleting any 5 consecutive bases within chr2:144,400,037-144,400,042 gives the same sequence; the c. name uses the placement nearest the transcript's 3' end. VCF-style (leftmost placement, unchanged base first): chr2-144400036-TGTTCA-T. GRCh37 (hg19) VCF-style: chr2-145157603-TGTTCA-T.
Other names: c.1074_1078del, p.Glu359fs (NM_001171653.2); short protein forms E359fs, E383fs.
Identifiers: ClinVar variation 2630772 (VCV002630772.1), dbSNP rs2549107043, ClinGen allele CA2695196964.

ClinVar aggregate classification (germline): Likely pathogenic (1 of 4 stars; one submission).

Conditions:
ZEB2-related disorder. Also called: ZEB2-related condition.

Submission:

PreventionGenetics, part of Exact Sciences
Classification: Likely pathogenic for ZEB2-related condition. Last evaluated: 2023-08-28. Review status: criteria provided, single submitter. Criteria: ACMG Guidelines, 2015. Collection method: clinical testing. Allele origin: germline.
Comment: The ZEB2 c.1146_1150del5 variant is predicted to result in a frameshift and premature protein termination (p.Glu383Aspfs*5). To our knowledge, this variant has not been reported in the literature or in a large population database, indicating this variant is rare. Frameshift variants in ZEB2 are expected to be pathogenic. This variant is interpreted as likely pathogenic.